The following is an entry in ClinVar:

NM_018943.3(TUBA8):c.995T>C (p.Ile332Thr)

Gene: TUBA8 (tubulin alpha 8; plus strand). Cytogenetic location: 22q11.21.
Variant type: single nucleotide variant.
Coding change: c.995T>C on transcript NM_018943.3 (MANE Select); coding-DNA position 995, T replaced by C.
Protein change: p.Ile332Thr; replaces isoleucine 332 with threonine.
Molecular consequence: missense variant.
Genome position (GRCh38, 1-based): chr22:18,126,973, T>C. VCF-style: chr22-18126973-T-C. GRCh37 (hg19) VCF-style: chr22-18609740-T-C.
Other names: c.995T>C (NM_018943.2); c.797T>C, p.Ile266Thr (NM_001193414.2); short protein forms I332T, I266T.
Identifiers: ClinVar variation 1442471 (VCV001442471.9), dbSNP rs760543651, ClinGen allele CA10093806.
Genomic context (GRCh38, chr22:18,126,973, plus strand): 5'-ACATGGCCTGCTGCATGCTCTACCGGGGCGACGTGGTGCCCAAGGATGTGAATGTCGCTA[T>C]TGCTGCCATCAAGACCAAGAGGACCATCCAGTTTGTAGACTGGTGTCCCACAGGCTTCAA-3'
Protein context (NP_061816.1, residues 322-342): DVVPKDVNVA[Ile332Thr]AAIKTKRTIQ

ClinVar aggregate classification (germline): Uncertain significance. Review status: criteria provided, multiple submitters, no conflicts (2 of 4 stars). 2 submissions from 2 submitters: Uncertain significance (2). Last evaluated 2024-06-05.

Allele frequency attached by ClinVar (database versions not stated): gnomAD 0.00001 and 0.00002; TOPMed 0.00001; gnomAD exomes 0.00006; ExAC 0.00009.
gnomAD v4.1: 89 of 1,613,752 alleles (0.0055%); highest among the groups gnomAD compares: South Asian, 0.014%; 1 homozygote.

Submissions (2):

Labcorp Genetics (formerly Invitae), Labcorp
Classification: Uncertain significance. Last evaluated: 2024-06-05. Review status: criteria provided, single submitter. Criteria: Invitae Variant Classification Sherloc (09022015). Collection method: clinical testing. Allele origin: germline.
Comment: This sequence change replaces isoleucine, which is neutral and non-polar, with threonine, which is neutral and polar, at codon 332 of the TUBA8 protein (p.Ile332Thr). This variant is present in population databases (rs760543651, gnomAD 0.01%). This variant has not been reported in the literature in individuals affected with TUBA8-related conditions. ClinVar contains an entry for this variant (Variation ID: 1442471). Advanced modeling of protein sequence and biophysical properties (such as structural, functional, and spatial information, amino acid conservation, physicochemical variation, residue mobility, and thermodynamic stability) performed at Invitae indicates that this missense variant is not expected to disrupt TUBA8 protein function with a negative predictive value of 80%. In summary, the available evidence is currently insufficient to determine the role of this variant in disease. Therefore, it has been classified as a Variant of Uncertain Significance.

Ambry Genetics
Classification: Uncertain significance. Last evaluated: 2021-09-17. Review status: criteria provided, single submitter. Criteria: Ambry Variant Classification Scheme 2023. Collection method: clinical testing. Allele origin: germline.